The following is an entry in ClinVar:

ClinVar aggregate classification (germline): Uncertain significance (1 of 4 stars; one submission).

Conditions:
Intellectual developmental disorder, autosomal dominant 58. Also called: MENTAL RETARDATION, AUTOSOMAL DOMINANT 58; Intellectual disability, autosomal dominant 58. Identifiers: MedGen C4748195, MONDO:0020847, OMIM 618106.

Submission:

Institute of Human Genetics, University of Leipzig Medical Center
Classification: Uncertain significance for Intellectual developmental disorder, autosomal dominant 58. Last evaluated: 2019-10-14. Review status: criteria provided, single submitter. Criteria: ACMG Guidelines, 2015. Collection method: clinical testing. Allele origin: de novo. Affected: yes.
Comment: The variant was identified as de novo (maternity and paternity confirmed)

NM_003011.4(SET):c.74-3C>G

Gene: SET (SET nuclear proto-oncogene; plus strand). Cytogenetic location: 9q34.11.
Variant type: single nucleotide variant.
Coding change: c.74-3C>G on transcript NM_003011.4 (MANE Select); 3 bases into the intron before coding-DNA position 74, C replaced by G.
Molecular consequence: intron variant.
Genome position (GRCh38, 1-based): chr9:128,691,167, C>G. VCF-style: chr9-128691167-C-G. GRCh37 (hg19) VCF-style: chr9-131453446-C-G.
Other names: c.113-3C>G (NM_001374326.1, NM_001122821.2); c.47-3C>G (NM_001248000.2); c.41-3C>G (NM_001248001.2).
Identifiers: ClinVar variation 873445 (VCV000873445.1), dbSNP rs775179714, ClinGen allele CA1139661244.